The following is an entry in ClinVar:

NM_000479.5(AMH):c.343_344del (p.Leu115fs)

Gene: AMH (anti-Mullerian hormone; plus strand). Cytogenetic location: 19p13.3.
Variant type: Microsatellite.
Coding change: c.343_344del on transcript NM_000479.5 (MANE Select); coding-DNA positions 343 to 344, 2 bases deleted (CT; older notation c.343_344delCT).
Protein change: p.Leu115fs; shifts the reading frame from leucine 115.
Molecular consequence: frameshift variant.
Genome position (GRCh38, 1-based): chr19:2,249,675-2,249,676, CT deleted; deleting any 2 consecutive bases within chr19:2,249,671-2,249,676 gives the same sequence; the c. name uses the placement nearest the transcript's 3' end. VCF-style (leftmost placement, unchanged base first): chr19-2249670-CCT-C. GRCh37 (hg19) VCF-style: chr19-2249669-CCT-C.
Other names: c.343_344del (NM_000479.3); short protein forms L115fs.
Identifiers: ClinVar variation 3583555 (VCV003583555.3).

ClinVar aggregate classification (germline): Pathogenic. Review status: criteria provided, multiple submitters, no conflicts (2 of 4 stars). 2 submissions from 2 submitters: Pathogenic (2). Last evaluated 2024-09-03.

Conditions:
Persistent Mullerian duct syndrome (PMDS). Also called: PERSISTENT OVIDUCT SYNDROME; PSEUDOHERMAPHRODITISM, MALE INTERNAL; PERSISTENT MULLERIAN DUCT SYNDROME, TYPES I AND II; FEMALE GENITAL DUCTS IN OTHERWISE NORMAL MALE; HERNIA UTERI INGUINALE. Identifiers: Orphanet 2856, MedGen C1849930, MONDO:0009857, OMIM 261550.

Submissions (2):

GeneDx
Classification: Pathogenic. Last evaluated: 2024-09-03. Review status: criteria provided, single submitter. Criteria: GeneDx Variant Classification Process June 2021. Collection method: clinical testing. Allele origin: germline. Affected: yes.
Comment: Reported in a proband with persistent Mullerian duct syndrome who also harbored a missense variant in AMH, but detailed clinical information was not provided and it is not known whether the variants occurred on the same (in cis) or on different (in trans) chromosomes (PMID: 28528332); Frameshift variant predicted to result in protein truncation or nonsense mediated decay in a gene for which loss of function is a known mechanism of disease; This variant is associated with the following publications: (PMID: 33787423, 28528332)

Fulgent Genetics
Classification: Pathogenic for Persistent Mullerian duct syndrome. Last evaluated: 2023-12-29. Review status: criteria provided, single submitter. Criteria: ACMG Guidelines, 2015. Collection method: clinical testing. Allele origin: germline.